The following is an entry in ClinVar:

ClinVar aggregate classification (germline): Uncertain significance (1 of 4 stars; one submission).

gnomAD v4.1: 1 of 1,006,360 alleles (0.000099%); highest among the groups gnomAD compares: Non-Finnish European, 0.00012%; no homozygotes.

Submission:

Ambry Genetics
Classification: Uncertain significance. Last evaluated: 2024-03-08. Review status: criteria provided, single submitter. Criteria: Ambry Variant Classification Scheme 2023. Collection method: clinical testing. Allele origin: germline.
Comment: The p.P50S variant (also known as c.148C>T), located in coding exon 1 of the GALNT12 gene, results from a C to T substitution at nucleotide position 148. The proline at codon 50 is replaced by serine, an amino acid with similar properties. This amino acid position is conserved. In addition, this alteration is predicted to be tolerated by in silico analysis. Based on the available evidence, the clinical significance of this alteration remains unclear.

NM_024642.5(GALNT12):c.148C>T (p.Pro50Ser)

Gene: GALNT12 (polypeptide N-acetylgalactosaminyltransferase 12; plus strand). Cytogenetic location: 9q22.33.
Variant type: single nucleotide variant.
Coding change: c.148C>T on transcript NM_024642.5 (MANE Select); coding-DNA position 148, C replaced by T.
Protein change: p.Pro50Ser; replaces proline 50 with serine.
Molecular consequence: missense variant.
Genome position (GRCh38, 1-based): chr9:98,807,846, C>T. VCF-style: chr9-98807846-C-T. GRCh37 (hg19) VCF-style: chr9-101570128-C-T.
Other names: short protein forms P50S.
Identifiers: ClinVar variation 3227922 (VCV003227922.1), dbSNP rs1292953164, ClinGen allele CA374222408.